The following is an entry in ClinVar:

ClinVar aggregate classification (germline): Uncertain significance (1 of 4 stars; one submission).

Submission:

GeneDx
Classification: Uncertain significance. Last evaluated: 2022-06-22. Review status: criteria provided, single submitter. Criteria: GeneDx Variant Classification Process June 2021. Collection method: clinical testing. Allele origin: germline. Affected: yes.
Comment: Not observed at significant frequency in large population cohorts (gnomAD); In silico analysis supports that this missense variant does not alter protein structure/function; Has not been previously published as pathogenic or benign to our knowledge

NM_005334.3(HCFC1):c.3422C>G (p.Ala1141Gly)

Gene: HCFC1 (host cell factor C1; minus strand). Cytogenetic location: Xq28.
Variant type: single nucleotide variant.
Coding change: c.3422C>G on transcript NM_005334.3 (MANE Select); coding-DNA position 3422, C replaced by G.
Protein change: p.Ala1141Gly; replaces alanine 1141 with glycine.
Molecular consequence: missense variant.
Genome position (GRCh38, 1-based): chrX:153,954,977, G>C on the plus strand (C>G on the coding strand, the complement: HCFC1 is on the minus strand). VCF-style: chrX-153954977-G-C. GRCh37 (hg19) VCF-style: chrX-153220428-G-C.
Other names: c.3422C>G, p.Ala1141Gly (NM_001410705.1); short protein forms A1141G.
Identifiers: ClinVar variation 1806725 (VCV001806725.1), dbSNP rs2521556395, ClinGen allele CA415124107.